The following is an entry in ClinVar:

ClinVar aggregate classification (germline): Likely pathogenic (1 of 4 stars; one submission).

Conditions:
Bardet-Biedl syndrome (BBS). Identifiers: Orphanet 110, MedGen C0752166, MONDO:0015229.

Submission:

Women's Health and Genetics/Laboratory Corporation of America, LabCorp
Classification: Likely pathogenic for Bardet-Biedl syndrome. Last evaluated: 2022-10-13. Review status: criteria provided, single submitter. Criteria: LabCorp Variant Classification Summary - May 2015. Collection method: clinical testing. Allele origin: germline.
Comment: Variant summary: The variant identified by MLPA or other technology involves the deletion of exons 20-21 in the BBS9 gene. A presumed nomenclature of c.(2115+1_2116-1)_(2521+1_2522-1)del has been designated for the purposes of this classification. Although exact breakpoints of this deletion are not known, it is expected to result in a frameshift in the BBS9 gene, a known mechanism of disease. The variant was absent in 21694 control chromosomes (gnomAD, Structural Variants dataset). To our knowledge, no occurrence of c.(2115+1_2116-1)_(2521+1_2522-1)del in individuals affected with Bardet-Biedl Syndrome and no experimental evidence demonstrating its impact on protein function have been reported. A ClinVar submitter (evaluation after 2014) cites the variant as uncertain significance. Based on the evidence outlined above, the variant was classified as likely pathogenic.

NC_000007.13:g.(33427757_33545074)_(33573789_33644476)del

Gene: BBS9 (Bardet-Biedl syndrome 9; plus strand). Cytogenetic location: 7p14.3.
Variant type: Deletion.
Identifiers: ClinVar variation 1723316 (VCV001723316.1).